The following is an entry in ClinVar:

ClinVar aggregate classification (germline): Uncertain significance (1 of 4 stars; one submission).

Submission:

Labcorp Genetics (formerly Invitae), Labcorp
Classification: Uncertain significance. Last evaluated: 2023-05-22. Review status: criteria provided, single submitter. Criteria: Invitae Variant Classification Sherloc (09022015). Collection method: clinical testing. Allele origin: germline.
Comment: In summary, the available evidence is currently insufficient to determine the role of this variant in disease. Therefore, it has been classified as a Variant of Uncertain Significance. An algorithm developed to predict the effect of missense changes on protein structure and function (PolyPhen-2) suggests that this variant is likely to be tolerated. ClinVar contains an entry for this variant (Variation ID: 1494116). This variant has not been reported in the literature in individuals affected with SON-related conditions. This variant is not present in population databases (gnomAD no frequency). This sequence change replaces glutamic acid, which is acidic and polar, with glutamine, which is neutral and polar, at codon 1687 of the SON protein (p.Glu1687Gln).

NM_138927.4(SON):c.5059G>C (p.Glu1687Gln)

Gene: SON (SON DNA and RNA binding protein; plus strand). Cytogenetic location: 21q22.11.
Variant type: single nucleotide variant.
Coding change: c.5059G>C on transcript NM_138927.4 (MANE Select); coding-DNA position 5059, G replaced by C.
Protein change: p.Glu1687Gln; replaces glutamic acid 1687 with glutamine.
Molecular consequence: missense variant. On other transcripts: non-coding transcript variant (1), intron variant (1).
Genome position (GRCh38, 1-based): chr21:33,554,290, G>C. VCF-style: chr21-33554290-G-C. GRCh37 (hg19) VCF-style: chr21-34926596-G-C.
Other names: c.5059G>C, p.Glu1687Gln (NM_001291411.2, NM_032195.3); c.245-2866G>C (NM_001291412.3); short protein forms E1687Q.
Identifiers: ClinVar variation 1494116 (VCV001494116.8), dbSNP rs368529033, ClinGen allele CA320154398.
Genomic context (GRCh38, chr21:33,554,290, plus strand): 5'-GATTTACCATCTAATAATAACCTTGTTAGTAAGGATACAGAAGAACCATTACCTGTAAAA[G>C]AGAGTGACCAGACATTAGCAGCTCTGCTCAGCCCTAAAGAAAGTAGTGGAGGAGAAAAAG-3'
Protein context (NP_620305.3, residues 1677-1697): KDTEEPLPVK[Glu1687Gln]SDQTLAALLS